The following is an entry in ClinVar:

NM_000051.4(ATM):c.6976-2A>G

Genes: ATM (ATM serine/threonine kinase; plus strand), C11orf65 (chromosome 11 open reading frame 65; minus strand). Cytogenetic location: 11q22.3.
Variant type: single nucleotide variant.
Coding change: c.6976-2A>G on transcript NM_000051.4 (MANE Select); the canonical splice acceptor site of the intron before coding-DNA position 6976, A replaced by G.
Molecular consequence: splice acceptor variant. On other transcripts: intron variant (2).
Genome position (GRCh38, 1-based): chr11:108,327,643, A>G. VCF-style: chr11-108327643-A-G. GRCh37 (hg19) VCF-style: chr11-108198370-A-G.
Other names: c.6976-2A>G (NM_001351834.2); c.641-18572T>C (NM_001330368.2); c.*38+7577T>C (NM_001351110.2).
Identifiers: ClinVar variation 487031 (VCV000487031.7), dbSNP rs587782403, ClinGen allele CA382557694.

ClinVar aggregate classification (germline): Likely pathogenic. Review status: criteria provided, multiple submitters, no conflicts (2 of 4 stars). 2 submissions from 2 submitters: Likely pathogenic (2). Last evaluated 2024-10-01.

Conditions:
Hereditary cancer-predisposing syndrome. Also called: Neoplastic Syndromes, Hereditary; Hereditary Cancer Syndrome; Tumor predisposition; Hereditary neoplastic syndrome. Identifiers: Orphanet 140162, MedGen C0027672, MeSH D009386, MONDO:0015356.
Familial cancer of breast. Also called: Hereditary breast cancer; BREAST CANCER, FAMILIAL; hereditary breast carcinoma. Identifiers: Orphanet 227535, MedGen C0346153, MONDO:0016419, OMIM 114480. Disease mechanism: loss of function.

Submissions (2):

Myriad Genetics, Inc.
Classification: Likely pathogenic for Familial cancer of breast. Last evaluated: 2024-10-01. Review status: criteria provided, single submitter. Criteria: Myriad Autosomal Dominant, Autosomal Recessive and X-Linked Classification Criteria (2023). Collection method: clinical testing. Allele origin: unknown.
Comment: This variant is considered likely pathogenic. This variant occurs within a consensus splice junction and is predicted to result in abnormal mRNA splicing of either an out-of-frame exon or an in-frame exon necessary for protein stability and/or normal function.

Ambry Genetics
Classification: Likely pathogenic for Hereditary cancer-predisposing syndrome. Last evaluated: 2017-08-03. Review status: criteria provided, single submitter. Criteria: Ambry Variant Classification Scheme 2023. Collection method: clinical testing. Allele origin: germline.
Comment: The c.6976-2A>G intronic variant results from an A to G substitution two nucleotides upstream from coding exon 47 in the ATM gene. This nucleotide position is highly conserved in available vertebrate species. Using the BDGP and ESEfinder splice site prediction tools, this alteration is predicted to abolish the native splice acceptor site; however, direct evidence is unavailable. Alterations that disrupt the canonical splice site are expected to cause aberrant splicing, resulting in an abnormal protein or a transcript that is subject to nonsense-mediated mRNA decay. As such, this alteration is classified as likely pathogenic.